The following is an entry in ClinVar:

ClinVar aggregate classification (germline): Uncertain significance (1 of 4 stars; one submission).

Submission:

GeneDx
Classification: Uncertain significance. Last evaluated: 2024-08-05. Review status: criteria provided, single submitter. Criteria: GeneDx Variant Classification Process June 2021. Collection method: clinical testing. Allele origin: germline. Affected: yes.
Comment: Not observed at significant frequency in large population cohorts (gnomAD); In silico analysis indicates that this missense variant does not alter protein structure/function; Has not been previously published as pathogenic or benign to our knowledge

NM_001281775.3(ZMYND8):c.2159C>A (p.Thr720Lys)

Gene: ZMYND8 (zinc finger MYND-type containing 8; minus strand). Cytogenetic location: 20q13.12.
Variant type: single nucleotide variant.
Coding change: c.2159C>A on transcript NM_001281775.3 (MANE Select); coding-DNA position 2159, C replaced by A.
Protein change: p.Thr720Lys; replaces threonine 720 with lysine.
Molecular consequence: missense variant.
Genome position (GRCh38, 1-based): chr20:47,246,133, G>T on the plus strand (C>A on the coding strand, the complement: ZMYND8 is on the minus strand). VCF-style: chr20-47246133-G-T. GRCh37 (hg19) VCF-style: chr20-45874877-G-T.
Other names: c.2084C>A, p.Thr695Lys (NM_001281771.3, NM_001281777.3, NM_001281778.3 and 2 more transcripts); c.2099C>A, p.Thr700Lys (NM_001281772.3, NM_001281773.3, NM_001281774.3 and 1 more transcripts); c.2159C>A, p.Thr720Lys (NM_001281776.3, NM_001281783.3, NM_012408.6 and 1 more transcripts); c.1355C>A, p.Thr452Lys (NM_001281779.3, NM_001281780.3); c.1943C>A, p.Thr648Lys (NM_001281781.3, NM_001281784.3); c.2180C>A, p.Thr727Lys (NM_001363714.1); short protein forms T452K, T648K, T695K, T700K, T720K, T727K.
Identifiers: ClinVar variation 3602964 (VCV003602964.1).